The following is an entry in ClinVar:

NM_032638.5(GATA2):c.1347C>A (p.Ser449=)

Gene: GATA2 (GATA binding protein 2; minus strand). Cytogenetic location: 3q21.3.
Variant type: single nucleotide variant.
Coding change: c.1347C>A on transcript NM_032638.5 (MANE Select); coding-DNA position 1347, C replaced by A.
Protein change: p.Ser449=; no amino-acid change (serine 449 retained).
Molecular consequence: synonymous variant.
Genome position (GRCh38, 1-based): chr3:128,481,115, G>T on the plus strand (C>A on the coding strand, the complement: GATA2 is on the minus strand). VCF-style: chr3-128481115-G-T. GRCh37 (hg19) VCF-style: chr3-128199958-G-T.
Other names: p.Ser449=; c.1347C>A, p.Ser449= (NM_001145661.2); c.1305C>A, p.Ser435= (NM_001145662.1); c.1347C>A (NM_001145661.1).
Identifiers: ClinVar variation 404084 (VCV000404084.20), dbSNP rs150052821, ClinGen allele CA2599794.

ClinVar aggregate classification (germline): Conflicting classifications of pathogenicity. Review status: criteria provided, conflicting classifications (1 of 4 stars). 6 submissions from 6 submitters: Uncertain significance (1); Likely benign (4). 1 of the submissions does not count toward it. Last evaluated 2025-09-14.

Conditions:
Deafness-lymphedema-leukemia syndrome. Also called: Lymphedema, primary, with myelodysplasia; Emberger syndrome. Identifiers: Orphanet 3226, MedGen C3279664, MONDO:0013540, OMIM 614038.
Monocytopenia with susceptibility to infections. Also called: Dendritic cell, monocyte, B lymphocyte, and natural killer lymphocyte deficiency; GATA2 DEFICIENCY; MONOCYTOPENIA AND MYCOBACTERIAL INFECTION SYNDROME; MONOCYTOPENIA WITH SUSCEPTIBILITY TO MYCOBACTERIAL, FUNGAL, AND PAPILLOMAVIRUS INFECTIONS AND MYELODYSPLASIA; COMBINED IMMUNODEFICIENCY WITH SUSCEPTIBILITY TO MYCOBACTERIAL, VIRAL, AND FUNGAL INFECTIONS; IMMUNODEFICIENCY 21. Identifiers: Orphanet 228423, MedGen C3280030, MONDO:0013607, OMIM 614172.
Inborn genetic diseases. Identifiers: MedGen C0950123, MeSH D030342.
Hereditary cancer-predisposing syndrome. Also called: Neoplastic Syndromes, Hereditary; Hereditary Cancer Syndrome; Tumor predisposition; Hereditary neoplastic syndrome. Identifiers: Orphanet 140162, MedGen C0027672, MeSH D009386, MONDO:0015356.
GATA2-related disorder. Also called: GATA2-Related Disorders; GATA2-related condition.

Allele frequency attached by ClinVar (database versions not stated): gnomAD 0.00003; TOPMed 0.00007; 1000 Genomes Project 30x 0.00016; 1000 Genomes Project 0.00020; ESP Exome Variant Server 0.00023.
gnomAD v4.1: 229 of 1,614,168 alleles (0.014%); highest among the groups gnomAD compares: Non-Finnish European, 0.018%; no homozygotes.

Submissions (6):

Labcorp Genetics (formerly Invitae), Labcorp
Classification: Likely benign for Monocytopenia with susceptibility to infections; Deafness-lymphedema-leukemia syndrome. Last evaluated: 2025-09-14. Review status: criteria provided, single submitter. Criteria: Invitae Variant Classification Sherloc (09022015). Collection method: clinical testing. Allele origin: germline.

Mayo Clinic Laboratories, Mayo Clinic
Classification: Likely benign. Last evaluated: 2025-01-28. Review status: criteria provided, single submitter. Criteria: ACMG Guidelines, 2015. Collection method: clinical testing. Allele origin: germline. Observed: 1 variant allele.
Comment: BP4, BP7

Ambry Genetics
Classification: Likely benign for Inborn genetic diseases. Last evaluated: 2024-08-21. Review status: criteria provided, single submitter. Criteria: Ambry Variant Classification Scheme 2023. Collection method: clinical testing. Allele origin: germline.

Sema4
Classification: Likely benign for Hereditary cancer-predisposing syndrome. Last evaluated: 2021-05-07. Review status: criteria provided, single submitter. Criteria: Sema4 Curation Guidelines. Collection method: curation. Allele origin: germline.

Illumina Laboratory Services, Illumina
Classification: Uncertain significance for Deafness-lymphedema-leukemia syndrome. Last evaluated: 2018-01-13. Review status: criteria provided, single submitter. Criteria: ICSL Variant Classification Criteria 13 December 2019. Collection method: clinical testing. Allele origin: germline.

PreventionGenetics, part of Exact Sciences
Classification: Likely benign for GATA2-related condition. Last evaluated: 2022-02-13. Review status: no assertion criteria provided. Collection method: clinical testing. Allele origin: germline. Not counted in ClinVar's aggregate classification.
Comment: This variant is classified as likely benign based on ACMG/AMP sequence variant interpretation guidelines (Richards et al. 2015 PMID: 25741868, with internal and published modifications).